The following is an entry in ClinVar:

ClinVar aggregate classification (germline): Uncertain significance. Review status: criteria provided, multiple submitters, no conflicts (2 of 4 stars). 3 submissions from 3 submitters: Uncertain significance (3). Last evaluated 2026-02-11.

Conditions:
Hereditary cancer-predisposing syndrome. Also called: Neoplastic Syndromes, Hereditary; Hereditary Cancer Syndrome; Hereditary neoplastic syndrome; Tumor predisposition. Identifiers: Orphanet 140162, MedGen C0027672, MeSH D009386, MONDO:0015356.
Hereditary diffuse gastric adenocarcinoma (HDGC). Also called: DIFFUSE GASTRIC AND LOBULAR BREAST CANCER SYNDROME. Identifiers: Orphanet 26106, MedGen C1708349, MONDO:0007648, OMIM 137215.

Allele frequency attached by ClinVar (database versions not stated): gnomAD exomes below 0.00001; ExAC 0.00001; TOPMed 0.00002.
gnomAD v4.1: 5 of 1,611,562 alleles (0.00031%); highest among the groups gnomAD compares: Non-Finnish European, 0.00042%; no homozygotes.

Submissions (3):

St. Jude Molecular Pathology, St. Jude Children's Research Hospital
Classification: Uncertain significance for Hereditary diffuse gastric adenocarcinoma. Last evaluated: 2026-02-11. Review status: criteria provided, single submitter. Criteria: St. Jude Assertion Criteria 2020. Collection method: clinical testing. Allele origin: germline.
Comment: The CTNNA1 c.1678A>T p.(Met560Leu) missense change has a maximum subpopulation frequency of 0.0009% in gnomAD v2.1.1. The in silico tool REVEL is inconclusive about a pathogenic or benign effect of this variant on protein function, and to our knowledge functional studies have not been performed. To our knowledge, this variant has not been reported in individuals with CTNNA1-related disease. In summary, the evidence currently available is insufficient to determine the clinical significance of this variant. It has therefore been classified as of uncertain significance.

Labcorp Genetics (formerly Invitae), Labcorp
Classification: Uncertain significance. Last evaluated: 2025-08-30. Review status: criteria provided, single submitter. Criteria: Invitae Variant Classification Sherloc (09022015). Collection method: clinical testing. Allele origin: germline.
Comment: This sequence change replaces methionine, which is neutral and non-polar, with leucine, which is neutral and non-polar, at codon 560 of the CTNNA1 protein (p.Met560Leu). This variant is not present in population databases (gnomAD no frequency). This variant has not been reported in the literature in individuals affected with CTNNA1-related conditions. ClinVar contains an entry for this variant (Variation ID: 644066). Invitae Evidence Modeling of protein sequence and biophysical properties (such as structural, functional, and spatial information, amino acid conservation, physicochemical variation, residue mobility, and thermodynamic stability) indicates that this missense variant is not expected to disrupt CTNNA1 protein function with a negative predictive value of 80%. In summary, the available evidence is currently insufficient to determine the role of this variant in disease. Therefore, it has been classified as a Variant of Uncertain Significance.

Ambry Genetics
Classification: Uncertain significance for Hereditary cancer-predisposing syndrome. Last evaluated: 2024-09-27. Review status: criteria provided, single submitter. Criteria: Ambry Variant Classification Scheme 2023. Collection method: clinical testing. Allele origin: germline.
Comment: The p.M560L variant (also known as c.1678A>T), located in coding exon 11 of the CTNNA1 gene, results from an A to T substitution at nucleotide position 1678. The methionine at codon 560 is replaced by leucine, an amino acid with highly similar properties. In one study, this alteration was identified in 5/151,425 individuals who underwent multi-gene germline genetic testing and classified as a variant of uncertain significance by the authors (Clark DF et al. Genet Med, 2020 05;22:840-846). This amino acid position is highly conserved in available vertebrate species. In addition, the in silico prediction for this alteration is inconclusive. The evidence for this gene-disease relationship is limited; therefore, the clinical significance of this alteration is unclear.

Literature cited by the submitters: PubMed 32051609 (cited by Ambry Genetics).

NM_001903.5(CTNNA1):c.1678A>T (p.Met560Leu)

Gene: CTNNA1 (catenin alpha 1; plus strand). Cytogenetic location: 5q31.2.
Variant type: single nucleotide variant.
Coding change: c.1678A>T on transcript NM_001903.5 (MANE Select); coding-DNA position 1678, A replaced by T.
Protein change: p.Met560Leu; replaces methionine 560 with leucine.
Molecular consequence: missense variant.
Genome position (GRCh38, 1-based): chr5:138,924,641, A>T. VCF-style: chr5-138924641-A-T. GRCh37 (hg19) VCF-style: chr5-138260330-A-T.
Other names: c.1678A>T, p.Met560Leu (NM_001290307.3, NM_001323982.2, NM_001323983.1 and 2 more transcripts); c.1369A>T, p.Met457Leu (NM_001290309.3); c.1309A>T, p.Met437Leu (NM_001290310.3); c.568A>T, p.Met190Leu (NM_001290312.1, NM_001323987.1, NM_001323988.1 and 17 more transcripts); c.1585A>T, p.Met529Leu (NM_001323986.2); c.325A>T, p.Met109Leu (NM_001324012.1, NM_001324013.1); c.229A>T, p.Met77Leu (NM_001324006.1, NM_001324007.1, NM_001324008.1 and 2 more transcripts); c.475A>T, p.Met159Leu (NM_001324011.1); short protein forms M529L, M159L, M190L, M437L, M457L, M109L, M560L, M77L.
Identifiers: ClinVar variation 644066 (VCV000644066.13), dbSNP rs769235447, ClinGen allele CA3432005.